The following is an entry in ClinVar:

NM_020937.4(FANCM):c.4090A>G (p.Ser1364Gly)

Gene: FANCM (FA complementation group M; plus strand). Cytogenetic location: 14q21.2.
Variant type: single nucleotide variant.
Coding change: c.4090A>G on transcript NM_020937.4 (MANE Select); coding-DNA position 4090, A replaced by G.
Protein change: p.Ser1364Gly; replaces serine 1364 with glycine.
Molecular consequence: missense variant.
Genome position (GRCh38, 1-based): chr14:45,176,844, A>G. VCF-style: chr14-45176844-A-G. GRCh37 (hg19) VCF-style: chr14-45646047-A-G.
Other names: c.4012A>G, p.Ser1338Gly (NM_001308133.2); short protein forms S1338G, S1364G.
Identifiers: ClinVar variation 2915654 (VCV002915654.3), dbSNP rs1888740450, ClinGen allele CA389604260.
Genomic context (GRCh38, chr14:45,176,844, plus strand): 5'-TCAAACACATTGAACTCATTTTCTAAGATAAGAAAGGAAATACTTAAGACACCAGATTCT[A>G]GTAAGGAAAAAGTAAACCTACAAAGATTCAAAGAAGCATTGAATTCAACTTTTGATTATT-3'
Protein context (NP_065988.1, residues 1354-1374): RKEILKTPDS[Ser1364Gly]KEKVNLQRFK

ClinVar aggregate classification (germline): Uncertain significance (1 of 4 stars; one submission).

Conditions:
Fanconi anemia (FA). Also called: Fanconi's anemia. Identifiers: Orphanet 84, MedGen C0015625, MeSH D005199, MONDO:0019391.

gnomAD v4.1: 2 of 1,606,914 alleles (0.00012%); highest among the groups gnomAD compares: Non-Finnish European, 0.00017%; no homozygotes.

Submission:

Labcorp Genetics (formerly Invitae), Labcorp
Classification: Uncertain significance for Fanconi anemia. Last evaluated: 2023-01-15. Review status: criteria provided, single submitter. Criteria: Invitae Variant Classification Sherloc (09022015). Collection method: clinical testing. Allele origin: germline.
Comment: In summary, the available evidence is currently insufficient to determine the role of this variant in disease. Therefore, it has been classified as a Variant of Uncertain Significance. Algorithms developed to predict the effect of missense changes on protein structure and function (SIFT, PolyPhen-2, Align-GVGD) all suggest that this variant is likely to be tolerated. This variant has not been reported in the literature in individuals affected with FANCM-related conditions. This variant is not present in population databases (gnomAD no frequency). This sequence change replaces serine, which is neutral and polar, with glycine, which is neutral and non-polar, at codon 1364 of the FANCM protein (p.Ser1364Gly).